The following is an entry in ClinVar:

ClinVar aggregate classification (germline): Uncertain significance (1 of 4 stars; one submission).

Conditions:
Multiple sulfatase deficiency (MSD). Also called: Mucosulfatidosis; Multiple Sulfatase Deficiency Disease; Sulfatidosis, Juvenile, Austin Type. Identifiers: Orphanet 585, MedGen C0268263, MONDO:0010088, OMIM 272200.

Submission:

Labcorp Genetics (formerly Invitae), Labcorp
Classification: Uncertain significance for Multiple sulfatase deficiency. Last evaluated: 2022-09-27. Review status: criteria provided, single submitter. Criteria: Invitae Variant Classification Sherloc (09022015). Collection method: clinical testing. Allele origin: germline.
Comment: A copy number gain of the genomic region encompassing the full coding sequence of the SUMF1 gene has been identified. The boundaries of this event are unknown as they extend beyond the assayed region for this gene and therefore may encompass additional genes. As the precise location of this event is unknown, it may be in tandem or it may be located elsewhere in the genome. This variant has not been reported in the literature in individuals affected with SUMF1-related conditions. In summary, the available evidence is currently insufficient to determine the role of this variant in disease. Therefore, it has been classified as a Variant of Uncertain Significance.

NC_000003.11:g.(?_4403828)_(4887909_?)dup

Genes: EGOT (eosinophil granule ontogeny transcript; minus strand), ITPR1 (inositol 1,4,5-trisphosphate receptor type 1; plus strand), SUMF1 (sulfatase modifying factor 1; minus strand). Cytogenetic location: 3p26.1.
Variant type: Duplication.
Identifiers: ClinVar variation 2427597 (VCV002427597.3).